The following is an entry in ClinVar:

NM_022552.5(DNMT3A):c.890G>C (p.Trp297Ser)

Gene: DNMT3A (DNA methyltransferase 3 alpha; minus strand). Cytogenetic location: 2p23.3.
Variant type: single nucleotide variant.
Coding change: c.890G>C on transcript NM_022552.5 (MANE Select); coding-DNA position 890, G replaced by C.
Protein change: p.Trp297Ser; replaces tryptophan 297 with serine.
Molecular consequence: missense variant. On other transcripts: non-coding transcript variant (1).
Genome position (GRCh38, 1-based): chr2:25,247,715, C>G on the plus strand (G>C on the coding strand, the complement: DNMT3A is on the minus strand). VCF-style: chr2-25247715-C-G. GRCh37 (hg19) VCF-style: chr2-25470584-C-G.
Other names: c.434G>C, p.Trp145Ser (NM_001320893.1); c.221G>C, p.Trp74Ser (NM_001375819.1); c.323G>C, p.Trp108Ser (NM_153759.3); c.890G>C, p.Trp297Ser (NM_175629.2); short protein forms W297S, W74S, W108S, W145S.
Identifiers: ClinVar variation 5002483 (VCV005002483.1).

ClinVar aggregate classification (germline): Uncertain significance (1 of 4 stars; one submission).

Conditions:
DNMT3A-related disorder. Also called: DNMT3A-related disorders; DNMT3A-related condition.

Submission:

PreventionGenetics, part of Exact Sciences
Classification: Uncertain significance for DNMT3A-related condition. Last evaluated: 2024-10-26. Review status: criteria provided, single submitter. Criteria: ACMG Guidelines, 2015. Collection method: clinical testing. Allele origin: germline.
Comment: The DNMT3A c.890G>C variant is predicted to result in the amino acid substitution p.Trp297Ser. To our knowledge, this variant has not been reported in the literature or in a large population database (gnomAD), indicating this variant is rare. At this time, the clinical significance of this variant is uncertain due to the absence of conclusive functional and genetic evidence.